The following is an entry in ClinVar:

ClinVar aggregate classification (germline): Benign/Likely benign. Review status: criteria provided, multiple submitters, no conflicts (2 of 4 stars). 9 submissions from 7 submitters: Benign (4); Likely benign (5). Last evaluated 2026-09-01.

Conditions:
Cockayne syndrome type 2 (CSB). Also called: Cockayne Syndrome, Type II; COCKAYNE SYNDROME B. Identifiers: Orphanet 191, Orphanet 90322, MedGen C0751038, MONDO:0019570, OMIM 133540.
Cerebrooculofacioskeletal syndrome 1 (COFS1). Also called: Cerebro-oculo-facio-skeletal syndrome 1. Identifiers: MedGen C0220722, MONDO:0008955, OMIM 214150.
Age related macular degeneration 5. Identifiers: MedGen C3151063, MONDO:0013409, OMIM 613761.

Allele frequency attached by ClinVar (database versions not stated): gnomAD exomes 0.00045 and 0.00202; gnomAD 0.00075 and 0.00078; TOPMed 0.00088; ExAC 0.00167; 1000 Genomes Project 0.00180; 1000 Genomes Project 30x 0.00219.
gnomAD v4.1: 781 of 1,614,184 alleles (0.048%); highest among the groups gnomAD compares: Admixed American, 1.2%; 4 homozygotes.

Submissions (9):

CeGaT Center for Human Genetics Tuebingen
Classification: Likely benign. Last evaluated: 2026-09-01. Review status: criteria provided, single submitter. Criteria: CeGaT Center For Human Genetics Tuebingen Variant Classification Criteria Version 2. Collection method: clinical testing. Allele origin: germline. Affected: yes. Observed: 9 variant alleles.
Comment: ERCC6: BS1

Labcorp Genetics (formerly Invitae), Labcorp
Classification: Benign. Last evaluated: 2026-02-01. Review status: criteria provided, single submitter. Criteria: Invitae Variant Classification Sherloc (09022015). Collection method: clinical testing. Allele origin: germline.

Blueprint Genetics
Classification: Likely benign. Last evaluated: 2024-09-24. Review status: criteria provided, single submitter. Criteria: ACMG Guidelines, 2015. Collection method: clinical testing. Allele origin: germline.

GeneDx
Classification: Likely benign. Last evaluated: 2020-08-28. Review status: criteria provided, single submitter. Criteria: GeneDx Variant Classification Process June 2021. Collection method: clinical testing. Allele origin: germline. Affected: yes.

Illumina Laboratory Services, Illumina
Classification: Benign for Cerebrooculofacioskeletal syndrome 1. Last evaluated: 2018-03-06. Review status: criteria provided, single submitter. Criteria: ICSL Variant Classification Criteria 13 December 2019. Collection method: clinical testing. Allele origin: germline.
Comment: This variant was observed in the ICSL laboratory as part of a predisposition screen in an ostensibly healthy population. It had not been previously curated by ICSL or reported in the Human Gene Mutation Database (HGMD: prior to June 1st, 2018), and was therefore a candidate for classification through an automated scoring system. Utilizing variant allele frequency, disease prevalence and penetrance estimates, and inheritance mode, an automated score was calculated to assess if this variant is too frequent to cause the disease. Based on the score and internal cut-off values, a variant classified as benign is not then subjected to further curation. The score for this variant resulted in a classification of benign for this disease.

Illumina Laboratory Services, Illumina
Classification: Benign for Age related macular degeneration 5. Last evaluated: 2018-03-06. Review status: criteria provided, single submitter. Criteria: ICSL Variant Classification Criteria 13 December 2019. Collection method: clinical testing. Allele origin: germline.
Comment: the same text as in the submission from Illumina Laboratory Services, Illumina above.

Illumina Laboratory Services, Illumina
Classification: Benign for Cockayne syndrome type 2. Last evaluated: 2018-03-06. Review status: criteria provided, single submitter. Criteria: ICSL Variant Classification Criteria 13 December 2019. Collection method: clinical testing. Allele origin: germline.
Comment: the same text as in the submission from Illumina Laboratory Services, Illumina above.

Center for Pediatric Genomic Medicine, Children's Mercy Hospital and Clinics
Classification: Likely benign. Last evaluated: 2017-06-16. Review status: criteria provided, single submitter. Criteria: ACMG Guidelines, 2015. Collection method: clinical testing. Allele origin: germline.

Breakthrough Genomics
Classification: Likely benign. Review status: criteria provided, single submitter. Criteria: ACMG Guidelines, 2015. Collection method: not provided. Allele origin: germline. Inheritance: Autosomal recessive inheritance. Affected: yes.

NM_000124.4(ERCC6):c.2875G>T (p.Val959Leu)

Genes: ERCC6 (ERCC excision repair 6, chromatin remodeling factor; minus strand), LOC126860933 (BRD4-independent group 4 enhancer GRCh37_chr10:50679962-50681161; plus strand). Cytogenetic location: 10q11.23.
Variant type: single nucleotide variant.
Coding change: c.2875G>T on transcript NM_000124.4 (MANE Select); coding-DNA position 2875, G replaced by T.
Protein change: p.Val959Leu; replaces valine 959 with leucine.
Molecular consequence: missense variant.
Genome position (GRCh38, 1-based): chr10:49,472,425, C>A on the plus strand (G>T on the coding strand, the complement: ERCC6 is on the minus strand). VCF-style: chr10-49472425-C-A. GRCh37 (hg19) VCF-style: chr10-50680471-C-A.
Other names: c.2875G>T, p.Val959Leu (NM_001346440.2); short protein forms V959L.
Identifiers: ClinVar variation 445943 (VCV000445943.26), dbSNP rs190863815, ClinGen allele CA5495497.